The following is an entry in ClinVar:

ClinVar aggregate classification (germline): Uncertain significance (1 of 4 stars; one submission).

Allele frequency attached by ClinVar (database versions not stated): gnomAD exomes below 0.00001.
gnomAD v4.1: 8 of 1,614,198 alleles (0.0005%); highest among the groups gnomAD compares: Non-Finnish European, 0.00068%; no homozygotes.

Submission:

Labcorp Genetics (formerly Invitae), Labcorp
Classification: Uncertain significance. Last evaluated: 2023-05-08. Review status: criteria provided, single submitter. Criteria: Invitae Variant Classification Sherloc (09022015). Collection method: clinical testing. Allele origin: germline.
Comment: This sequence change replaces alanine, which is neutral and non-polar, with glycine, which is neutral and non-polar, at codon 592 of the TUBGCP6 protein (p.Ala592Gly). This variant is present in population databases (no rsID available, gnomAD 0.0009%). This variant has not been reported in the literature in individuals affected with TUBGCP6-related conditions. ClinVar contains an entry for this variant (Variation ID: 1007613). In summary, the available evidence is currently insufficient to determine the role of this variant in disease. Therefore, it has been classified as a Variant of Uncertain Significance. An algorithm developed to predict the effect of missense changes on protein structure and function (PolyPhen-2) suggests that this variant is likely to be disruptive.

NM_020461.4(TUBGCP6):c.1775C>G (p.Ala592Gly)

Gene: TUBGCP6 (tubulin gamma complex component 6; minus strand). Cytogenetic location: 22q13.33.
Variant type: single nucleotide variant.
Coding change: c.1775C>G on transcript NM_020461.4 (MANE Select); coding-DNA position 1775, C replaced by G.
Protein change: p.Ala592Gly; replaces alanine 592 with glycine.
Molecular consequence: missense variant.
Genome position (GRCh38, 1-based): chr22:50,226,108, G>C on the plus strand (C>G on the coding strand, the complement: TUBGCP6 is on the minus strand). VCF-style: chr22-50226108-G-C. GRCh37 (hg19) VCF-style: chr22-50664537-G-C.
Other names: short protein forms A592G.
Identifiers: ClinVar variation 1007613 (VCV001007613.7), dbSNP rs1325836823, ClinGen allele CA412105305.